The following is an entry in ClinVar:

ClinVar aggregate classification (germline): Uncertain significance (1 of 4 stars; one submission).

Conditions:
BRSK2-related disorder. Also called: BRSK2-related condition; BRSK2-Related Disorders.

Submission:

PreventionGenetics, part of Exact Sciences
Classification: Uncertain significance for BRSK2-related condition. Last evaluated: 2023-03-22. Review status: criteria provided, single submitter. Criteria: ACMG Guidelines, 2015. Collection method: clinical testing. Allele origin: germline.
Comment: The BRSK2 c.2193_2199dup7 variant is predicted to result in a frameshift and premature protein termination (p.Glu734Profs*95). To our knowledge, this variant has not been reported in the literature. This variant is reported in 0.0087% of alleles in individuals of European (Non-Finnish) descent in gnomAD. At this time, the clinical significance of this variant is uncertain due to the absence of conclusive functional and genetic evidence.

NM_001256627.2(BRSK2):c.2193_2199dup (p.Glu734fs)

Gene: BRSK2 (BR serine/threonine kinase 2; plus strand). Cytogenetic location: 11p15.5.
Variant type: Duplication.
Coding change: c.2193_2199dup on transcript NM_001256627.2 (MANE Select); coding-DNA positions 2193 to 2199, 7 bases duplicated (CCGCCGC; older notation c.2193_2199dupCCGCCGC).
Protein change: p.Glu734fs; shifts the reading frame from glutamic acid 734.
Molecular consequence: frameshift variant. On other transcripts: intron variant (3).
Genome position (GRCh38, 1-based): chr11:1,460,705-1,460,711, CCGCCGC duplicated; duplicating any 7 consecutive bases within chr11:1,460,701-1,460,711 gives the same sequence; the c. name uses the placement nearest the transcript's 3' end. VCF-style (leftmost placement, unchanged base first): chr11-1460700-A-ACCGCCCG. GRCh37 (hg19) VCF-style: chr11-1481930-A-ACCGCCCG.
Other names: c.2283_2289dup, p.Glu764fs (NM_001256630.1); c.*10-265_*10-259dup (NM_001256629.2, NM_001282218.2); c.1988-265_1988-259dup (NM_003957.4); short protein forms E734fs, E764fs.
Identifiers: ClinVar variation 2634803 (VCV002634803.1), dbSNP rs1564896122, ClinGen allele CA597429704.